The following is an entry in ClinVar:

ClinVar aggregate classification (germline): Uncertain significance (1 of 4 stars; one submission).

Submission:

Labcorp Genetics (formerly Invitae), Labcorp
Classification: Uncertain significance. Last evaluated: 2022-06-22. Review status: criteria provided, single submitter. Criteria: Invitae Variant Classification Sherloc (09022015). Collection method: clinical testing. Allele origin: germline.
Comment: This variant is not present in population databases (gnomAD no frequency). In summary, the available evidence is currently insufficient to determine the role of this variant in disease. Therefore, it has been classified as a Variant of Uncertain Significance. Algorithms developed to predict the effect of missense changes on protein structure and function are either unavailable or do not agree on the potential impact of this missense change (SIFT: "Deleterious"; PolyPhen-2: "Not Available"; Align-GVGD: "Class C25"). This variant has not been reported in the literature in individuals affected with CDH23-related conditions. This sequence change replaces glutamic acid, which is acidic and polar, with glutamine, which is neutral and polar, at codon 2363 of the CDH23 protein (p.Glu2363Gln).

NM_022124.6(CDH23):c.7087G>C (p.Glu2363Gln)

Gene: CDH23 (cadherin related 23; plus strand). Cytogenetic location: 10q22.1.
Variant type: single nucleotide variant.
Coding change: c.7087G>C on transcript NM_022124.6 (MANE Select); coding-DNA position 7087, G replaced by C.
Protein change: p.Glu2363Gln; replaces glutamic acid 2363 with glutamine.
Molecular consequence: missense variant.
Genome position (GRCh38, 1-based): chr10:71,799,143, G>C. VCF-style: chr10-71799143-G-C. GRCh37 (hg19) VCF-style: chr10-73558900-G-C.
Other names: c.367G>C, p.Glu123Gln (NM_001171933.1, NM_001171934.1); short protein forms E2363Q, E123Q.
Identifiers: ClinVar variation 2007094 (VCV002007094.4), dbSNP rs753690054, ClinGen allele CA377158692.